The following is an entry in ClinVar:

GRCh37/hg19 17p13.3(chr17:1176459-1570012)x3

Genes: CRK (CRK proto-oncogene, adaptor protein; minus strand), INPP5K (inositol polyphosphate-5-phosphatase K; minus strand), MYO1C (myosin IC; minus strand), PITPNA (phosphatidylinositol transfer protein alpha; minus strand), PRPF8 (pre-mRNA processing factor 8; minus strand) and 5 more. Cytogenetic location: 17p13.3.
Variant type: copy number gain.
Change: copy number 3 (three copies instead of two) of chr17:1,176,459-1,570,012 (393.6 kb, GRCh37 coordinates, 1-based), cytogenetic band 17p13.3.
Identifiers: ClinVar variation 1340305 (VCV001340305.1).

ClinVar aggregate classification (germline): Pathogenic (0 of 4 stars; one submission).

Submission:

Quest Diagnostics Nichols Institute San Juan Capistrano
Classification: Pathogenic. Last evaluated: 2021-04-01. Review status: no assertion criteria provided. Collection method: clinical testing. Allele origin: germline.
Comment: This genomic alteration involves multiple genes, including YWHAE (OMIM 605066) genes, and is expected to cause phenotypic and/or developmental abnormalities. This region when deleted is associated with Miller-Dieker syndrome. However, a duplication syndrome (OMIM 613215) involving this region has been associated with intellectual impairment, autism, occasional structural brain abnormalities and possibly early overgrowth. Incomplete penetrance and highly variable expressivity are characteristic of this duplication syndrome. Inter- and intrafamilial variability is typical, especially in cognitive development, and appears to be at least partially dependent on the size of the duplication and genes involved. Duplications of YWHAE and flanking genes such as CRK are most commonly associated with autism spectrum disorders (Curry, et al., Am J Med Genet A. 2013 Aug; 161A (8):1833-52.PMID: 23813913; Henry et al. Eur J Med Genet. 2016 Oct;59(10):512-6; PMID: 27633569).